The following is an entry in ClinVar:

NM_176787.5(PIGN):c.674+2T>A

Gene: PIGN (phosphatidylinositol glycan anchor biosynthesis class N; minus strand). Cytogenetic location: 18q21.33.
Variant type: single nucleotide variant.
Coding change: c.674+2T>A on transcript NM_176787.5 (MANE Select); the canonical splice donor site of the intron after coding-DNA position 674, T replaced by A.
Molecular consequence: splice donor variant.
Genome position (GRCh38, 1-based): chr18:62,148,212, A>T on the plus strand (T>A on the coding strand, the complement: PIGN is on the minus strand). VCF-style: chr18-62148212-A-T. GRCh37 (hg19) VCF-style: chr18-59815445-A-T.
Other names: c.674+2T>A (NM_012327.6).
Identifiers: ClinVar variation 2836981 (VCV002836981.3), dbSNP rs2513981504, ClinGen allele CA402601914.
Genomic context (GRCh38, chr18:62,148,212, plus strand): 5'-TAAAAAGTTCAATAGAATAGCTGTTGCCCTAAAAAATACAATTAAACACAATATTAAATT[A>T]CCTCGAGGATGGTCGATGAGCATGTCCGTTTGTATCTATTCCTAATAAATGTAAGAAAAA-3'

ClinVar aggregate classification (germline): Likely pathogenic (1 of 4 stars; one submission).

Conditions:
Multiple congenital anomalies-hypotonia-seizures syndrome 1 (MCAHS1). Also called: PIGN-CDG; Congenital disorder of glycosylation due to PIGN deficiency; GLYCOSYLPHOSPHATIDYLINOSITOL BIOSYNTHESIS DEFECT 3. Identifiers: Orphanet 280633, MedGen C3279775, MONDO:0013563, OMIM 614080.

Submission:

Labcorp Genetics (formerly Invitae), Labcorp
Classification: Likely pathogenic for Multiple congenital anomalies-hypotonia-seizures syndrome 1. Last evaluated: 2023-02-14. Review status: criteria provided, single submitter. Criteria: Invitae Variant Classification Sherloc (09022015). Collection method: clinical testing. Allele origin: germline.
Comment: This sequence change affects a donor splice site in intron 8 of the PIGN gene. It is expected to disrupt RNA splicing. Variants that disrupt the donor or acceptor splice site typically lead to a loss of protein function (PMID: 16199547), and loss-of-function variants in PIGN are known to be pathogenic (PMID: 24253414, 27038415). This variant is not present in population databases (gnomAD no frequency). This variant has not been reported in the literature in individuals affected with PIGN-related conditions. Algorithms developed to predict the effect of sequence changes on RNA splicing suggest that this variant may disrupt the consensus splice site. In summary, the currently available evidence indicates that the variant is pathogenic, but additional data are needed to prove that conclusively. Therefore, this variant has been classified as Likely Pathogenic.

Literature cited by the submitters: PubMed 16199547; PubMed 24253414; PubMed 27038415.